The following is an entry in ClinVar:

NM_004560.4(ROR2):c.2135C>T (p.Pro712Leu)

Gene: ROR2 (receptor tyrosine kinase like orphan receptor 2; minus strand). Cytogenetic location: 9q22.31.
Variant type: single nucleotide variant.
Coding change: c.2135C>T on transcript NM_004560.4 (MANE Select); coding-DNA position 2135, C replaced by T.
Protein change: p.Pro712Leu; replaces proline 712 with leucine.
Molecular consequence: missense variant.
Genome position (GRCh38, 1-based): chr9:91,724,359, G>A on the plus strand (C>T on the coding strand, the complement: ROR2 is on the minus strand). VCF-style: chr9-91724359-G-A. GRCh37 (hg19) VCF-style: chr9-94486641-G-A.
Other names: short protein forms P712L.
Identifiers: ClinVar variation 2771689 (VCV002771689.3), dbSNP rs2490111255, ClinGen allele CA373795887.

ClinVar aggregate classification (germline): Uncertain significance (1 of 4 stars; one submission).

gnomAD v4.1: 5 of 1,613,852 alleles (0.00031%); highest among the groups gnomAD compares: Non-Finnish European, 0.00042%; no homozygotes.

Submission:

Labcorp Genetics (formerly Invitae), Labcorp
Classification: Uncertain significance. Last evaluated: 2023-10-25. Review status: criteria provided, single submitter. Criteria: Invitae Variant Classification Sherloc (09022015). Collection method: clinical testing. Allele origin: germline.
Comment: This sequence change replaces proline, which is neutral and non-polar, with leucine, which is neutral and non-polar, at codon 712 of the ROR2 protein (p.Pro712Leu). This variant is not present in population databases (gnomAD no frequency). This variant has not been reported in the literature in individuals affected with ROR2-related conditions. Advanced modeling of protein sequence and biophysical properties (such as structural, functional, and spatial information, amino acid conservation, physicochemical variation, residue mobility, and thermodynamic stability) performed at Invitae indicates that this missense variant is not expected to disrupt ROR2 protein function with a negative predictive value of 80%. In summary, the available evidence is currently insufficient to determine the role of this variant in disease. Therefore, it has been classified as a Variant of Uncertain Significance.